The following is an entry in ClinVar:

ClinVar aggregate classification (germline): Benign/Likely benign. Review status: criteria provided, multiple submitters, no conflicts (2 of 4 stars). 4 submissions from 4 submitters: Benign (1); Likely benign (3). Last evaluated 2026-01-28.

Conditions:
Hyperaldosteronism, familial, type IV (HALD4). Also called: FH IV; ALDOSTERONISM, PRIMARY, AND HYPERTENSION. Identifiers: Orphanet 642671, MedGen C4310756, MONDO:0014875, OMIM 617027.
Idiopathic generalized epilepsy. Also called: Generalised epilepsy; EIG. Identifiers: MedGen C0270850, MONDO:0005579, OMIM 600669.

Allele frequency attached by ClinVar (database versions not stated): gnomAD exomes 0.00052 and 0.00125; ExAC 0.00274; gnomAD 0.00552 and 0.00591; ESP Exome Variant Server 0.00571; 1000 Genomes Project 0.00599; TOPMed 0.00606; 1000 Genomes Project 30x 0.00625.
gnomAD v4.1: 1,623 of 1,605,378 alleles (0.1%); highest among the groups gnomAD compares: African/African-American, 1.9%; 11 homozygotes.

Submissions (4):

Labcorp Genetics (formerly Invitae), Labcorp
Classification: Benign for Idiopathic generalized epilepsy; Hyperaldosteronism, familial, type IV. Last evaluated: 2026-01-28. Review status: criteria provided, single submitter. Criteria: Invitae Variant Classification Sherloc (09022015). Collection method: clinical testing. Allele origin: germline.

Blueprint Genetics
Classification: Likely benign. Last evaluated: 2024-09-26. Review status: criteria provided, single submitter. Criteria: ACMG Guidelines, 2015. Collection method: clinical testing. Allele origin: germline.

Center for Pediatric Genomic Medicine, Children's Mercy Hospital and Clinics
Classification: Likely benign. Last evaluated: 2015-05-14. Review status: criteria provided, single submitter. Criteria: ACMG Guidelines, 2015. Collection method: clinical testing. Allele origin: germline.
ClinVar note: Converted during submission from Likely Benign to Likely benign.

Breakthrough Genomics
Classification: Likely benign. Review status: criteria provided, single submitter. Criteria: ACMG Guidelines, 2015. Collection method: not provided. Allele origin: germline. Inheritance: Autosomal dominant inheritance. Affected: yes.

NM_021098.3(CACNA1H):c.3206G>A (p.Arg1069Gln)

Gene: CACNA1H (calcium voltage-gated channel subunit alpha1 H; plus strand). Cytogenetic location: 16p13.3.
Variant type: single nucleotide variant.
Coding change: c.3206G>A on transcript NM_021098.3 (MANE Select); coding-DNA position 3206, G replaced by A.
Protein change: p.Arg1069Gln; replaces arginine 1069 with glutamine.
Molecular consequence: missense variant.
Genome position (GRCh38, 1-based): chr16:1,208,064, G>A. VCF-style: chr16-1208064-G-A. GRCh37 (hg19) VCF-style: chr16-1258064-G-A.
Other names: c.3206G>A, p.Arg1069Gln (NM_001005407.2); short protein forms R1069Q.
Identifiers: ClinVar variation 235710 (VCV000235710.16), dbSNP rs57633676, ClinGen allele CA7800685.